The following is an entry in ClinVar:

NM_002382.5(MAX):c.343T>A (p.Tyr115Asn)

Gene: MAX (MYC associated transcriptional regulator X; minus strand). Cytogenetic location: 14q23.3.
Variant type: single nucleotide variant.
Coding change: c.343T>A on transcript NM_002382.5 (MANE Select); coding-DNA position 343, T replaced by A.
Protein change: p.Tyr115Asn; replaces tyrosine 115 with asparagine.
Molecular consequence: missense variant. On other transcripts: 3 prime UTR variant (12), non-coding transcript variant (7), intron variant (2).
Genome position (GRCh38, 1-based): chr14:65,076,616, A>T on the plus strand (T>A on the coding strand, the complement: MAX is on the minus strand). VCF-style: chr14-65076616-A-T. GRCh37 (hg19) VCF-style: chr14-65543334-A-T.
Other names: c.154T>A, p.Tyr52Asn (NM_001320415.2, NM_001407105.1, NM_001407106.1 and 1 more transcripts); c.343T>A, p.Tyr115Asn (NM_001407094.1); c.316T>A, p.Tyr106Asn (NM_001407095.1, NM_145112.3); c.*116T>A (NM_001407096.1, NM_001407099.1, NM_001407102.1 and 2 more transcripts); c.*132T>A (NM_001407097.1, NM_001407100.1, NM_001407101.1 and 4 more transcripts); c.235T>A, p.Tyr79Asn (NM_001407098.1); c.142T>A, p.Tyr48Asn (NM_001407111.1, NM_001407112.1); c.144+17092T>A (NM_001271069.2); and 1 more; short protein forms Y48N, Y52N, Y115N, Y106N, Y79N.
Identifiers: ClinVar variation 3293486 (VCV003293486.1).

ClinVar aggregate classification (germline): Uncertain significance (1 of 4 stars; one submission).

Conditions:
Hereditary cancer-predisposing syndrome. Also called: Tumor predisposition; Hereditary Cancer Syndrome; Hereditary neoplastic syndrome; Neoplastic Syndromes, Hereditary. Identifiers: Orphanet 140162, MedGen C0027672, MeSH D009386, MONDO:0015356.

Submission:

Ambry Genetics
Classification: Uncertain significance for Hereditary cancer-predisposing syndrome. Last evaluated: 2024-04-01. Review status: criteria provided, single submitter. Criteria: Ambry Variant Classification Scheme 2023. Collection method: clinical testing. Allele origin: germline.
Comment: The p.Y115N variant (also known as c.343T>A), located in coding exon 5 of the MAX gene, results from a T to A substitution at nucleotide position 343. The tyrosine at codon 115 is replaced by asparagine, an amino acid with dissimilar properties. This amino acid position is conserved. In addition, this alteration is predicted to be deleterious by in silico analysis. Based on the available evidence, the clinical significance of this alteration remains unclear.